The following is an entry in ClinVar:

NM_025099.6(CTC1):c.3011+3C>T

Gene: CTC1 (CST telomere replication complex component 1; minus strand). Cytogenetic location: 17p13.1.
Variant type: single nucleotide variant.
Coding change: c.3011+3C>T on transcript NM_025099.6 (MANE Select); 3 bases into the intron after coding-DNA position 3011, C replaced by T.
Molecular consequence: intron variant.
Genome position (GRCh38, 1-based): chr17:8,229,888, G>A on the plus strand (C>T on the coding strand, the complement: CTC1 is on the minus strand). VCF-style: chr17-8229888-G-A. GRCh37 (hg19) VCF-style: chr17-8133206-G-A.
Identifiers: ClinVar variation 967014 (VCV000967014.10), dbSNP rs1316252024, ClinGen allele CA624731360.

ClinVar aggregate classification (germline): Uncertain significance (1 of 4 stars; one submission).

Conditions:
Dyskeratosis congenita. Identifiers: Orphanet 1775, MedGen C0265965, MONDO:0015780.

Allele frequency attached by ClinVar (database versions not stated): gnomAD exomes below 0.00001; TOPMed below 0.00001.

Submission:

Labcorp Genetics (formerly Invitae), Labcorp
Classification: Uncertain significance for Dyskeratosis congenita. Last evaluated: 2025-04-13. Review status: criteria provided, single submitter. Criteria: Invitae Variant Classification Sherloc (09022015). Collection method: clinical testing. Allele origin: germline.
Comment: This sequence change falls in intron 18 of the CTC1 gene. It does not directly change the encoded amino acid sequence of the CTC1 protein. It affects a nucleotide within the consensus splice site. This variant is present in population databases (no rsID available, gnomAD 0.0009%). This variant has not been reported in the literature in individuals affected with CTC1-related conditions. ClinVar contains an entry for this variant (Variation ID: 967014). Variants that disrupt the consensus splice site are a relatively common cause of aberrant splicing (PMID: 17576681, 9536098). Algorithms developed to predict the effect of sequence changes on RNA splicing suggest that this variant is not likely to affect RNA splicing. In summary, the available evidence is currently insufficient to determine the role of this variant in disease. Therefore, it has been classified as a Variant of Uncertain Significance.

Literature cited by the submitters: PubMed 17576681; PubMed 9536098.